The following is an entry in ClinVar:

NM_000069.3(CACNA1S):c.1548G>A (p.Ser516=)

Gene: CACNA1S (calcium voltage-gated channel subunit alpha1 S; minus strand). Cytogenetic location: 1q32.1.
Variant type: single nucleotide variant.
Coding change: c.1548G>A on transcript NM_000069.3 (MANE Select); coding-DNA position 1548, G replaced by A.
Protein change: p.Ser516=; no amino-acid change (serine 516 retained).
Molecular consequence: synonymous variant.
Genome position (GRCh38, 1-based): chr1:201,077,950, C>T on the plus strand (G>A on the coding strand, the complement: CACNA1S is on the minus strand). VCF-style: chr1-201077950-C-T. GRCh37 (hg19) VCF-style: chr1-201047078-C-T.
Other names: p.Ser516=.
Identifiers: ClinVar variation 254799 (VCV000254799.25), dbSNP rs16847669, ClinGen allele CA078391.

ClinVar aggregate classification (germline): Benign. Review status: criteria provided, multiple submitters, no conflicts (2 of 4 stars). 13 submissions from 10 submitters: Benign (13). Last evaluated 2026-02-01.

Conditions:
Malignant hyperthermia, susceptibility to, 5 (MHS5). Also called: CACNA1S-Related Malignant Hyperthermia Susceptibility. Identifiers: Orphanet 423, MedGen C1866077, MONDO:0011163, OMIM 601887.
Hypokalemic periodic paralysis, type 1. Also called: HypoPP; Hypokalemic Periodic Paralysis Type 1 (AD). Identifiers: Orphanet 681, MedGen C3714580, MONDO:0042979, OMIM 170400.
Congenital myopathy 18. Also called: DIHYDROPYRIDINE RECEPTOR CONGENITAL MYOPATHY; DHPR CONGENITAL MYOPATHY; Myopathy, congenital, due to dihydropyridine receptor defect. Identifiers: MedGen C5830283, MONDO:0859514, OMIM 620246.
Thyrotoxic periodic paralysis, susceptibility to, 1 (TTPP1). Identifiers: Orphanet 79102, MedGen C2749982, MONDO:0008570, OMIM 188580.

Allele frequency attached by ClinVar (database versions not stated): gnomAD exomes 0.00356 and 0.00861; ExAC 0.00939; 1000 Genomes Project 30x 0.02717; ESP Exome Variant Server 0.02745; TOPMed 0.02847; 1000 Genomes Project 0.02496; gnomAD 0.02512 and 0.02707.
gnomAD v4.1: 9,271 of 1,614,088 alleles (0.57%); highest among the groups gnomAD compares: African/African-American, 8.4%; 323 homozygotes.

Submissions (14):

Labcorp Genetics (formerly Invitae), Labcorp
Classification: Benign for Hypokalemic periodic paralysis, type 1; Malignant hyperthermia, susceptibility to, 5. Last evaluated: 2026-02-01. Review status: criteria provided, single submitter. Criteria: Invitae Variant Classification Sherloc (09022015). Collection method: clinical testing. Allele origin: germline.

Athena Diagnostics
Classification: Benign. Last evaluated: 2025-09-11. Review status: criteria provided, single submitter. Criteria: Athena Diagnostics Criteria. Collection method: clinical testing. Allele origin: unknown.
Comment: The frequency of this variant in the general population is higher than would generally be expected for pathogenic variants in this gene.

Mayo Clinic Laboratories, Mayo Clinic
Classification: Benign. Last evaluated: 2024-02-15. Review status: criteria provided, single submitter. Criteria: ACMG Guidelines, 2015. Collection method: clinical testing. Allele origin: germline. Observed: 16 variant alleles.
Comment: BA1, BP4, BP7

All of Us Research Program, National Institutes of Health
Classification: Benign for Malignant hyperthermia, susceptibility to, 5. Last evaluated: 2024-02-05. Review status: criteria provided, single submitter. Criteria: ACMG Guidelines, 2015. Collection method: clinical testing. Allele origin: germline. Inheritance: Autosomal dominant inheritance. Observed: 1,858 variant alleles, 1,802 heterozygotes, 56 homozygotes.
Comment: This study involves interpretation of variants in research participants for the purpose of population health screening. Participant phenotype was not available at the time of variant classification. Additional details can be found in publication PMID: 35346344, PMCID: PMC8962531

Genome-Nilou Lab
Classification: Benign for Malignant hyperthermia, susceptibility to, 5. Last evaluated: 2023-04-11. Review status: criteria provided, single submitter. Criteria: ACMG Guidelines, 2015. Collection method: clinical testing. Allele origin: germline. Affected: no.

Genome-Nilou Lab
Classification: Benign for Thyrotoxic periodic paralysis, susceptibility to, 1. Last evaluated: 2023-04-11. Review status: criteria provided, single submitter. Criteria: ACMG Guidelines, 2015. Collection method: clinical testing. Allele origin: germline. Affected: no.

Genome-Nilou Lab
Classification: Benign for Congenital myopathy 18. Last evaluated: 2023-04-11. Review status: criteria provided, single submitter. Criteria: ACMG Guidelines, 2015. Collection method: clinical testing. Allele origin: germline. Affected: no.

Genome-Nilou Lab
Classification: Benign for Hypokalemic periodic paralysis, type 1. Last evaluated: 2023-04-11. Review status: criteria provided, single submitter. Criteria: ACMG Guidelines, 2015. Collection method: clinical testing. Allele origin: germline. Affected: no.

Color Diagnostics, LLC DBA Color Health
Classification: Benign for Malignant hyperthermia, susceptibility to, 5. Last evaluated: 2019-03-29. Review status: criteria provided, single submitter. Criteria: ACMG Guidelines, 2015. Collection method: clinical testing. Allele origin: germline.

Illumina Laboratory Services, Illumina
Classification: Benign for Hypokalemic periodic paralysis, type 1. Last evaluated: 2018-01-13. Review status: criteria provided, single submitter. Criteria: ICSL Variant Classification Criteria 13 December 2019. Collection method: clinical testing. Allele origin: germline.
Comment: This variant was observed in the ICSL laboratory as part of a predisposition screen in an ostensibly healthy population. It had not been previously curated by ICSL or reported in the Human Gene Mutation Database (HGMD: prior to June 1st, 2018), and was therefore a candidate for classification through an automated scoring system. Utilizing variant allele frequency, disease prevalence and penetrance estimates, and inheritance mode, an automated score was calculated to assess if this variant is too frequent to cause the disease. Based on the score and internal cut-off values, a variant classified as benign is not then subjected to further curation. The score for this variant resulted in a classification of benign for this disease.

GeneDx
Classification: Benign. Last evaluated: 2016-07-15. Review status: criteria provided, single submitter. Criteria: GeneDx Variant Classification (06012015). Collection method: clinical testing. Allele origin: germline. Affected: yes.
Comment: This variant is considered likely benign or benign based on one or more of the following criteria: it is a conservative change, it occurs at a poorly conserved position in the protein, it is predicted to be benign by multiple in silico algorithms, and/or has population frequency not consistent with disease.

Breakthrough Genomics
Classification: Benign. Review status: criteria provided, single submitter. Criteria: ACMG Guidelines, 2015. Collection method: not provided. Allele origin: germline. Inheritance: Autosomal dominant inheritance. Affected: yes.

PreventionGenetics, part of Exact Sciences
Classification: Benign. Review status: criteria provided, single submitter. Criteria: ACMG Guidelines, 2015. Collection method: clinical testing. Allele origin: germline.

Dr. Peter K. Rogan Lab, Western University
No classification provided (evidence only). Condition: Clear cell carcinoma of kidney. Review status: no classification provided. Collection method: in vitro. Allele origin: not applicable. Functional consequence: retained intron. Not counted in ClinVar's aggregate classification.